The following is an entry in ClinVar:

NM_003331.5(TYK2):c.2908+4G>A

Gene: TYK2 (tyrosine kinase 2; minus strand). Cytogenetic location: 19p13.2.
Variant type: single nucleotide variant.
Coding change: c.2908+4G>A on transcript NM_003331.5 (MANE Select); 4 bases into the intron after coding-DNA position 2908, G replaced by A.
Molecular consequence: intron variant.
Genome position (GRCh38, 1-based): chr19:10,354,038, C>T on the plus strand (G>A on the coding strand, the complement: TYK2 is on the minus strand). VCF-style: chr19-10354038-C-T. GRCh37 (hg19) VCF-style: chr19-10464714-C-T.
Other names: c.2722+4G>A (NM_001385199.1); c.2818+4G>A (NM_001385205.1); c.2710+4G>A (NM_001385201.1); c.2782+4G>A (NM_001385206.1); c.2890+4G>A (NM_001385207.1); c.2824+4G>A (NM_001385202.1); c.2905+4G>A (NM_001385200.1); c.2908+4G>A (NM_001385198.1, NM_001385197.1); and 2 more.
Identifiers: ClinVar variation 1357600 (VCV001357600.4), dbSNP rs766865578, ClinGen allele CA9192900.
Genomic context (GRCh38, chr19:10,354,038, plus strand): 5'-AAGGCCACACCCACGCTCTAACCACGCCCCCTCAAGTCTCTAGGACTCGCCGGGTCCCGC[C>T]CACCTTGGTCCTCGCAGCAGCCCTTGTACTTGATGATGTGCTCGTGGTAGAGCGTGCGCA-3'

ClinVar aggregate classification (germline): Uncertain significance (1 of 4 stars; one submission).

Conditions:
Immunodeficiency 35 (IMD35). Also called: Susceptibility to infection due to TYK2 deficiency; TYK2 DEFICIENCY; HIES WITH ATYPICAL MYCOBACTERIOSIS, AUTOSOMAL RECESSIVE; HYPER-IgE SYNDROME WITH ATYPICAL MYCOBACTERIOSIS, AUTOSOMAL RECESSIVE. Identifiers: Orphanet 331226, MedGen C1969086, MONDO:0012682, OMIM 611521.

Allele frequency attached by ClinVar (database versions not stated): ExAC 0.00001; gnomAD exomes 0.00001 and 0.00003.
gnomAD v4.1: 47 of 1,614,026 alleles (0.0029%); highest among the groups gnomAD compares: Non-Finnish European, 0.004%; no homozygotes.

Submission:

Labcorp Genetics (formerly Invitae), Labcorp
Classification: Uncertain significance for Immunodeficiency 35. Last evaluated: 2022-12-02. Review status: criteria provided, single submitter. Criteria: Invitae Variant Classification Sherloc (09022015). Collection method: clinical testing. Allele origin: germline.
Comment: This sequence change falls in intron 20 of the TYK2 gene. It does not directly change the encoded amino acid sequence of the TYK2 protein. It affects a nucleotide within the consensus splice site. In summary, the available evidence is currently insufficient to determine the role of this variant in disease. Therefore, it has been classified as a Variant of Uncertain Significance. Variants that disrupt the consensus splice site are a relatively common cause of aberrant splicing (PMID: 17576681, 9536098). Algorithms developed to predict the effect of sequence changes on RNA splicing suggest that this variant is not likely to affect RNA splicing. ClinVar contains an entry for this variant (Variation ID: 1357600). This variant has not been reported in the literature in individuals affected with TYK2-related conditions. This variant is present in population databases (rs766865578, gnomAD 0.002%).

Literature cited by the submitters: PubMed 17576681; PubMed 9536098.